The following is an entry in ClinVar:

NM_000424.4(KRT5):c.1071C>T (p.Ala357=)

Gene: KRT5 (keratin 5; minus strand). Cytogenetic location: 12q13.13.
Variant type: single nucleotide variant.
Coding change: c.1071C>T on transcript NM_000424.4 (MANE Select); coding-DNA position 1071, C replaced by T.
Protein change: p.Ala357=; no amino-acid change (alanine 357 retained).
Molecular consequence: synonymous variant.
Genome position (GRCh38, 1-based): chr12:52,517,611, G>A on the plus strand (C>T on the coding strand, the complement: KRT5 is on the minus strand). VCF-style: chr12-52517611-G-A. GRCh37 (hg19) VCF-style: chr12-52911395-G-A.
Identifiers: ClinVar variation 309563 (VCV000309563.51), dbSNP rs149467228, ClinGen allele CA6582649.

ClinVar aggregate classification (germline): Benign/Likely benign. Review status: criteria provided, multiple submitters, no conflicts (2 of 4 stars). 6 submissions from 6 submitters: Benign (2); Likely benign (3). 1 of the submissions does not count toward it. Last evaluated 2026-03-01.

Conditions:
Epidermolysis bullosa simplex. Also called: Epidermolysis bullosa simplex, Weber-Cockayne type (subtype); Epidermolysis bullosa simplex, Dowling-Meara type (subtype); Epidermolysis bullosa simplex with mottled pigmentation (subtype). Identifiers: Orphanet 304, MedGen C0079298, MONDO:0017610.
KRT5-related disorder. Also called: KRT5-related condition.

Allele frequency attached by ClinVar (database versions not stated): 1000 Genomes Project 0.00260; 1000 Genomes Project 30x 0.00265; TOPMed 0.00419; ESP Exome Variant Server 0.00469; gnomAD 0.00495 and 0.00503; gnomAD exomes 0.00510 and 0.00567; ExAC 0.00522.
gnomAD v4.1: 8,972 of 1,614,124 alleles (0.56%); highest among the groups gnomAD compares: Non-Finnish European, 0.63%; 33 homozygotes.

Submissions (6):

CeGaT Center for Human Genetics Tuebingen
Classification: Likely benign. Last evaluated: 2026-03-01. Review status: criteria provided, single submitter. Criteria: CeGaT Center For Human Genetics Tuebingen Variant Classification Criteria Version 2. Collection method: clinical testing. Allele origin: germline. Affected: yes. Observed: 4 variant alleles.
Comment: KRT5: BP4, BP7, BS2

Labcorp Genetics (formerly Invitae), Labcorp
Classification: Benign. Last evaluated: 2025-12-08. Review status: criteria provided, single submitter. Criteria: Invitae Variant Classification Sherloc (09022015). Collection method: clinical testing. Allele origin: germline.

Blueprint Genetics
Classification: Likely benign. Last evaluated: 2024-11-26. Review status: criteria provided, single submitter. Criteria: ACMG Guidelines, 2015. Collection method: clinical testing. Allele origin: germline.

Illumina Laboratory Services, Illumina
Classification: Benign for Epidermolysis bullosa simplex. Last evaluated: 2018-01-13. Review status: criteria provided, single submitter. Criteria: ICSL Variant Classification Criteria 13 December 2019. Collection method: clinical testing. Allele origin: germline.
Comment: This variant was observed in the ICSL laboratory as part of a predisposition screen in an ostensibly healthy population. It had not been previously curated by ICSL or reported in the Human Gene Mutation Database (HGMD: prior to June 1st, 2018), and was therefore a candidate for classification through an automated scoring system. Utilizing variant allele frequency, disease prevalence and penetrance estimates, and inheritance mode, an automated score was calculated to assess if this variant is too frequent to cause the disease. Based on the score and internal cut-off values, a variant classified as benign is not then subjected to further curation. The score for this variant resulted in a classification of benign for this disease.

Breakthrough Genomics
Classification: Likely benign. Review status: criteria provided, single submitter. Criteria: ACMG Guidelines, 2015. Collection method: not provided. Allele origin: germline. Inheritance: Autosomal recessive inheritance. Affected: yes.

PreventionGenetics, part of Exact Sciences
Classification: Benign for KRT5-related condition. Last evaluated: 2024-01-19. Review status: no assertion criteria provided. Collection method: clinical testing. Allele origin: germline. Not counted in ClinVar's aggregate classification.
Comment: This variant is classified as benign based on ACMG/AMP sequence variant interpretation guidelines (Richards et al. 2015 PMID: 25741868, with internal and published modifications).